The following is an entry in ClinVar:

NM_004100.5(EYA4):c.347C>T (p.Ala116Val)

Gene: EYA4 (EYA transcriptional coactivator and phosphatase 4; plus strand). Cytogenetic location: 6q23.2.
Variant type: single nucleotide variant.
Coding change: c.347C>T on transcript NM_004100.5 (MANE Select); coding-DNA position 347, C replaced by T.
Protein change: p.Ala116Val; replaces alanine 116 with valine.
Molecular consequence: missense variant. On other transcripts: intron variant (2).
Genome position (GRCh38, 1-based): chr6:133,456,625, C>T. VCF-style: chr6-133456625-C-T. GRCh37 (hg19) VCF-style: chr6-133777763-C-T.
Other names: c.347C>T, p.Ala116Val (NM_001301013.2, NM_172105.4); c.278C>T, p.Ala93Val (NM_001370458.1, NM_172103.4); c.209-4489C>T (NM_001370459.1, NM_001301012.2); short protein forms A116V, A93V.
Identifiers: ClinVar variation 355443 (VCV000355443.16), dbSNP rs747223436, ClinGen allele CA4008017.
Genomic context (GRCh38, chr6:133,456,625, plus strand): 5'-TTGCAGTCAAAACAGAGCCCTTGAACAGCAGTGAAACCACAGCCACGACTGGAGATGGAG[C>T]GCTTGACACTTTTACTGGGTCAGGTAAAGCCTTTAGCTCGTGTGTCCTTACGTACACATG-3'
Protein context (NP_004091.3, residues 106-126): SETTATTGDG[Ala116Val]LDTFTGSVIT

ClinVar aggregate classification (germline): Conflicting classifications of pathogenicity. Review status: criteria provided, conflicting classifications (1 of 4 stars). 5 submissions from 4 submitters: Uncertain significance (4); Likely benign (1). Last evaluated 2025-10-23.

Conditions:
Cardiovascular phenotype. Identifiers: MedGen CN230736.
Ventricular tachycardia. Identifiers: MedGen C0042514, MONDO:0005477, HP:0004756.
Congestive heart failure. Identifiers: MedGen C0018802, MONDO:0005009, HP:0001635.
Dilated cardiomyopathy 1J (CMD1J). Also called: CARDIOMYOPATHY, DILATED, WITH SENSORINEURAL HEARING LOSS, AUTOSOMAL DOMINANT. Identifiers: Orphanet 217622, MedGen C1854368, MONDO:0011541, OMIM 605362.
Autosomal dominant nonsyndromic hearing loss 10. Identifiers: Orphanet 90635, MedGen C1832476, MONDO:0011031, OMIM 601316.

Allele frequency attached by ClinVar (database versions not stated): gnomAD 0.00002; gnomAD exomes 0.00002 and 0.00006; ExAC 0.00004; TOPMed 0.00004.
gnomAD v4.1: 27 of 1,612,890 alleles (0.0017%); highest among the groups gnomAD compares: Admixed American, 0.027%; no homozygotes.

Submissions (5):

Labcorp Genetics (formerly Invitae), Labcorp
Classification: Uncertain significance for Dilated cardiomyopathy 1J. Last evaluated: 2025-10-23. Review status: criteria provided, single submitter. Criteria: Invitae Variant Classification Sherloc (09022015). Collection method: clinical testing. Allele origin: germline.
Comment: This sequence change replaces alanine, which is neutral and non-polar, with valine, which is neutral and non-polar, at codon 116 of the EYA4 protein (p.Ala116Val). This variant is present in population databases (rs747223436, gnomAD 0.03%). This variant has not been reported in the literature in individuals affected with EYA4-related conditions. ClinVar contains an entry for this variant (Variation ID: 355443). An algorithm developed to predict the effect of missense changes on protein structure and function (PolyPhen-2) suggests that this variant is likely to be tolerated. In summary, the available evidence is currently insufficient to determine the role of this variant in disease. Therefore, it has been classified as a Variant of Uncertain Significance.

Ambry Genetics
Classification: Uncertain significance for Cardiovascular phenotype. Last evaluated: 2025-03-23. Review status: criteria provided, single submitter. Criteria: Ambry Variant Classification Scheme 2023. Collection method: clinical testing. Allele origin: germline.
Comment: The p.A116V variant (also known as c.347C>T), located in coding exon 5 of the EYA4 gene, results from a C to T substitution at nucleotide position 347. The alanine at codon 116 is replaced by valine, an amino acid with similar properties. This amino acid position is not well conserved in available vertebrate species. In addition, this alteration is predicted to be tolerated by in silico analysis. Since supporting evidence is limited at this time, the clinical significance of this alteration remains unclear.

Center for Advanced Laboratory Medicine, UC San Diego Health, University of California San Diego
Classification: Likely benign for Congestive heart failure; Ventricular tachycardia. Last evaluated: 2019-04-09. Review status: criteria provided, single submitter. Criteria: ACMG Guidelines, 2015. Collection method: clinical testing. Allele origin: germline. Affected: yes. Observed: 2 variant alleles.

Illumina Laboratory Services, Illumina
Classification: Uncertain significance for Dilated cardiomyopathy 1J. Last evaluated: 2018-01-13. Review status: criteria provided, single submitter. Criteria: ICSL Variant Classification Criteria 13 December 2019. Collection method: clinical testing. Allele origin: germline.

Illumina Laboratory Services, Illumina
Classification: Uncertain significance for Autosomal dominant nonsyndromic hearing loss 10. Last evaluated: 2018-01-13. Review status: criteria provided, single submitter. Criteria: ICSL Variant Classification Criteria 13 December 2019. Collection method: clinical testing. Allele origin: germline.